The following is an entry in ClinVar:

ClinVar aggregate classification (germline): Likely pathogenic (1 of 4 stars; one submission).

Submission:

Labcorp Genetics (formerly Invitae), Labcorp
Classification: Likely pathogenic. Last evaluated: 2022-10-20. Review status: criteria provided, single submitter. Criteria: Invitae Variant Classification Sherloc (09022015). Collection method: clinical testing. Allele origin: germline.
Comment: In summary, the currently available evidence indicates that the variant is pathogenic, but additional data are needed to prove that conclusively. Therefore, this variant has been classified as Likely Pathogenic. Algorithms developed to predict the effect of sequence changes on RNA splicing suggest that this variant may disrupt the consensus splice site. This variant has not been reported in the literature in individuals affected with VPS13A-related conditions. This variant is not present in population databases (gnomAD no frequency). This sequence change affects a donor splice site in intron 13 of the VPS13A gene. It is expected to disrupt RNA splicing. Variants that disrupt the donor or acceptor splice site typically lead to a loss of protein function (PMID: 16199547), and loss-of-function variants in VPS13A are known to be pathogenic (PMID: 12404112, 21598378).

Literature cited by the submitters: PubMed 16199547; PubMed 12404112; PubMed 21598378.

NM_033305.3(VPS13A):c.1161+1G>T

Gene: VPS13A (vacuolar protein sorting 13 homolog A; plus strand). Cytogenetic location: 9q21.2.
Variant type: single nucleotide variant.
Coding change: c.1161+1G>T on transcript NM_033305.3 (MANE Select); the canonical splice donor site of the intron after coding-DNA position 1161, G replaced by T.
Molecular consequence: splice donor variant.
Genome position (GRCh38, 1-based): chr9:77,221,357, G>T. VCF-style: chr9-77221357-G-T. GRCh37 (hg19) VCF-style: chr9-79836273-G-T.
Other names: c.1161+1G>T (NM_001018037.2, NM_015186.4, NM_001018038.3).
Identifiers: ClinVar variation 2179512 (VCV002179512.4), dbSNP rs2537603710, ClinGen allele CA373844158.